The following is an entry in ClinVar:

NM_001378615.1(CC2D2A):c.1422C>T (p.Leu474=)

Genes: CC2D2A (coiled-coil and C2 domain containing 2A; plus strand), FBXL5 (F-box and leucine rich repeat protein 5; minus strand). Cytogenetic location: 4p15.32.
Variant type: single nucleotide variant.
Coding change: c.1422C>T on transcript NM_001378615.1 (MANE Select); coding-DNA position 1422, C replaced by T.
Protein change: p.Leu474=; no amino-acid change (leucine 474 retained).
Molecular consequence: synonymous variant.
Genome position (GRCh38, 1-based): chr4:15,528,682, C>T. VCF-style: chr4-15528682-C-T. GRCh37 (hg19) VCF-style: chr4-15530305-C-T.
Other names: c.1422C>T, p.Leu474= (NM_001080522.2); c.1275C>T, p.Leu425= (NM_001378617.1).
Identifiers: ClinVar variation 1091405 (VCV001091405.11), dbSNP rs377448964, ClinGen allele CA2863661.

ClinVar aggregate classification (germline): Likely benign. Review status: criteria provided, single submitter (1 of 4 stars). 2 submissions from 2 submitters: Likely benign (1). 1 of the submissions does not count toward it. Last evaluated 2025-12-24.

Conditions:
Joubert syndrome. Also called: JOUBERT-BOLTSHAUSER SYNDROME; Familial aplasia of the vermis. Identifiers: Orphanet 475, MedGen C5979921, MONDO:0018772.
Meckel-Gruber syndrome. Also called: DYSENCEPHALIA SPLANCHNOCYSTICA; GRUBER SYNDROME; Dysencephalia splachnocystica. Identifiers: Orphanet 564, MedGen C0265215, MONDO:0018921.
CC2D2A-related disorder. Also called: CC2D2A-related disorders; CC2D2A-related condition. Identifiers: MedGen CN239313.

Allele frequency attached by ClinVar (database versions not stated): gnomAD exomes below 0.00001 and 0.00001; ExAC 0.00001; gnomAD 0.00003 and 0.00004; TOPMed 0.00004; ESP Exome Variant Server 0.00008.
gnomAD v4.1: 13 of 1,613,270 alleles (0.00081%); highest among the groups gnomAD compares: African/African-American, 0.0093%; no homozygotes.

Submissions (2):

Labcorp Genetics (formerly Invitae), Labcorp
Classification: Likely benign for Joubert syndrome; Meckel-Gruber syndrome. Last evaluated: 2025-12-24. Review status: criteria provided, single submitter. Criteria: Invitae Variant Classification Sherloc (09022015). Collection method: clinical testing. Allele origin: germline.

PreventionGenetics, part of Exact Sciences
Classification: Likely benign for CC2D2A-related condition. Last evaluated: 2020-04-06. Review status: no assertion criteria provided. Collection method: clinical testing. Allele origin: germline. Not counted in ClinVar's aggregate classification.
Comment: This variant is classified as likely benign based on ACMG/AMP sequence variant interpretation guidelines (Richards et al. 2015 PMID: 25741868, with internal and published modifications).